The following is an entry in ClinVar:

NM_001673.5(ASNS):c.764G>C (p.Cys255Ser)

Genes: CZ1P-ASNS (CZ1P-ASNS readthrough; minus strand), ASNS (asparagine synthetase (glutamine-hydrolyzing); minus strand). Cytogenetic location: 7q21.3.
Variant type: single nucleotide variant.
Coding change: c.764G>C on transcript NM_001673.5 (MANE Select); coding-DNA position 764, G replaced by C.
Protein change: p.Cys255Ser; replaces cysteine 255 with serine.
Molecular consequence: missense variant. On other transcripts: non-coding transcript variant (1).
Genome position (GRCh38, 1-based): chr7:97,858,865, C>G on the plus strand (G>C on the coding strand, the complement: ASNS is on the minus strand). VCF-style: chr7-97858865-C-G. GRCh37 (hg19) VCF-style: chr7-97488177-C-G.
Other names: c.701G>C, p.Cys234Ser (NM_001178075.2); c.515G>C, p.Cys172Ser (NM_001178076.2, NM_001178077.1); c.764G>C, p.Cys255Ser (NM_001352496.2, NM_133436.3, NM_183356.4); short protein forms C172S, C234S, C255S.
Identifiers: ClinVar variation 4755705 (VCV004755705.1).

ClinVar aggregate classification (germline): Uncertain significance (1 of 4 stars; one submission).

gnomAD v4.1: 1 of 1,611,468 alleles (0.000062%); highest among the groups gnomAD compares: African/African-American, 0.0013%; no homozygotes.

Submission:

GeneDx
Classification: Uncertain significance. Last evaluated: 2025-08-05. Review status: criteria provided, single submitter. Criteria: GeneDx Variant Classification Process June 2021. Collection method: clinical testing. Allele origin: germline. Affected: yes.
Comment: Not observed at significant frequency in large population cohorts (gnomAD); In silico analysis supports that this missense variant has a deleterious effect on protein structure/function; Has not been previously published as pathogenic or benign to our knowledge